The following is an entry in ClinVar:

ClinVar aggregate classification (germline): Uncertain significance (1 of 4 stars; one submission).

Allele frequency attached by ClinVar (database versions not stated): gnomAD exomes 0.00001; TOPMed 0.00002.
gnomAD v4.1: 11 of 1,612,348 alleles (0.00068%); highest among the groups gnomAD compares: African/African-American, 0.0027%; no homozygotes.

Submission:

Labcorp Genetics (formerly Invitae), Labcorp
Classification: Uncertain significance. Last evaluated: 2023-10-16. Review status: criteria provided, single submitter. Criteria: Invitae Variant Classification Sherloc (09022015). Collection method: clinical testing. Allele origin: germline.
Comment: This sequence change replaces arginine, which is basic and polar, with tryptophan, which is neutral and slightly polar, at codon 5505 of the ADGRV1 protein (p.Arg5505Trp). This variant is present in population databases (rs771587239, gnomAD 0.002%). This variant has not been reported in the literature in individuals affected with ADGRV1-related conditions. Advanced modeling of protein sequence and biophysical properties (such as structural, functional, and spatial information, amino acid conservation, physicochemical variation, residue mobility, and thermodynamic stability) performed at Invitae indicates that this missense variant is not expected to disrupt ADGRV1 protein function. In summary, the available evidence is currently insufficient to determine the role of this variant in disease. Therefore, it has been classified as a Variant of Uncertain Significance.

NM_032119.4(ADGRV1):c.16513C>T (p.Arg5505Trp)

Gene: ADGRV1 (adhesion G protein-coupled receptor V1; plus strand). Cytogenetic location: 5q14.3.
Variant type: single nucleotide variant.
Coding change: c.16513C>T on transcript NM_032119.4 (MANE Select); coding-DNA position 16513, C replaced by T.
Protein change: p.Arg5505Trp; replaces arginine 5505 with tryptophan.
Molecular consequence: missense variant. On other transcripts: non-coding transcript variant (1).
Genome position (GRCh38, 1-based): chr5:90,829,088, C>T. VCF-style: chr5-90829088-C-T. GRCh37 (hg19) VCF-style: chr5-90124905-C-T.
Other names: short protein forms R5505W.
Identifiers: ClinVar variation 2991674 (VCV002991674.1), dbSNP rs771587239, ClinGen allele CA122805741.